The following is an entry in ClinVar:

ClinVar aggregate classification (germline): Uncertain significance (1 of 4 stars; one submission).

Conditions:
Autoimmune enteropathy and endocrinopathy - susceptibility to chronic infections syndrome. Also called: Immunodeficiency 31C, autosomal dominant; Immunodeficiency 31C. Identifiers: Orphanet 391487, MedGen C3279990, MONDO:0013599, OMIM 614162.
Immunodeficiency 31B. Also called: STAT1 DEFICIENCY, AUTOSOMAL RECESSIVE; IMMUNODEFICIENCY 31B, MYCOBACTERIAL AND VIRAL INFECTIONS, AUTOSOMAL RECESSIVE. Identifiers: Orphanet 391311, MedGen C3151088, MONDO:0013427, OMIM 613796.
Mendelian susceptibility to mycobacterial diseases due to partial STAT1 deficiency. Also called: IMMUNODEFICIENCY 31A, MYCOBACTERIOSIS, AUTOSOMAL DOMINANT; STAT1 DEFICIENCY, AUTOSOMAL DOMINANT; Immunodeficiency 31a. Identifiers: Orphanet 319595, MedGen C4013950, MONDO:0013956, OMIM 614892.

Submission:

Labcorp Genetics (formerly Invitae), Labcorp
Classification: Uncertain significance for Mendelian susceptibility to mycobacterial diseases due to partial STAT1 deficiency; Immunodeficiency 31B; Autoimmune enteropathy and endocrinopathy - susceptibility to chronic infections syndrome. Last evaluated: 2025-12-03. Review status: criteria provided, single submitter. Criteria: Invitae Variant Classification Sherloc (09022015). Collection method: clinical testing. Allele origin: germline.
Comment: This variant, c.58_72del, results in the deletion of 5 amino acid(s) of the STAT1 protein (p.Gln20_Asp24del), but otherwise preserves the integrity of the reading frame. This variant is not present in population databases (gnomAD no frequency). This variant has not been reported in the literature in individuals affected with STAT1-related conditions. Experimental studies and prediction algorithms are not available or were not evaluated, and the functional significance of this variant is currently unknown. In summary, the available evidence is currently insufficient to determine the role of this variant in disease. Therefore, it has been classified as a Variant of Uncertain Significance.

NM_007315.4(STAT1):c.58_72del (p.Gln20_Asp24del)

Gene: STAT1 (signal transducer and activator of transcription 1; minus strand). Cytogenetic location: 2q32.2.
Variant type: Deletion.
Coding change: c.58_72del on transcript NM_007315.4 (MANE Select); coding-DNA positions 58 to 72, 15 bases deleted (CAGCTTTATGATGAC).
Protein change: p.Gln20_Asp24del.
Genome position (GRCh38, 1-based): chr2:191,009,932-191,009,946, GTCATCATAAAGCTG deleted on the plus strand (CAGCTTTATGATGAC on the coding strand, the reverse complement: STAT1 is on the minus strand); deleting any 15 consecutive bases within chr2:191,009,932-191,009,948 gives the same sequence; the c. name uses the placement nearest the transcript's 3' end. VCF-style (leftmost placement, unchanged base first): chr2-191009931-TGTCATCATAAAGCTG-T. GRCh37 (hg19) VCF-style: chr2-191874657-TGTCATCATAAAGCTG-T.
Other names: c.58_72del, p.Gln20_Asp24del (NM_001384880.1, NM_001384882.1, NM_001384883.1 and 9 more transcripts); c.64_78del, p.Gln22_Asp26del (NM_001384881.1, NM_001384884.1).
Identifiers: ClinVar variation 4786834 (VCV004786834.1).